The following is an entry in ClinVar:

ClinVar aggregate classification (germline): Uncertain significance (1 of 4 stars; one submission).

Submission:

Labcorp Genetics (formerly Invitae), Labcorp
Classification: Uncertain significance. Last evaluated: 2025-08-15. Review status: criteria provided, single submitter. Criteria: Invitae Variant Classification Sherloc (09022015). Collection method: clinical testing. Allele origin: germline.
Comment: This sequence change replaces glutamine, which is neutral and polar, with leucine, which is neutral and non-polar, at codon 1108 of the FREM1 protein (p.Gln1108Leu). This variant is not present in population databases (gnomAD no frequency). This variant has not been reported in the literature in individuals affected with FREM1-related conditions. Invitae Evidence Modeling of protein sequence and biophysical properties (such as structural, functional, and spatial information, amino acid conservation, physicochemical variation, residue mobility, and thermodynamic stability) indicates that this missense variant is expected to disrupt FREM1 protein function with a positive predictive value of 80%. Algorithms developed to predict the effect of sequence changes on RNA splicing suggest that this variant may create or strengthen a splice site. In summary, the available evidence is currently insufficient to determine the role of this variant in disease. Therefore, it has been classified as a Variant of Uncertain Significance.

NM_001379081.2(FREM1):c.3323A>T (p.Gln1108Leu)

Gene: FREM1 (FRAS1 related extracellular matrix 1; minus strand). Cytogenetic location: 9p22.3.
Variant type: single nucleotide variant.
Coding change: c.3323A>T on transcript NM_001379081.2 (MANE Select); coding-DNA position 3323, A replaced by T.
Protein change: p.Gln1108Leu; replaces glutamine 1108 with leucine.
Molecular consequence: missense variant. On other transcripts: non-coding transcript variant (2).
Genome position (GRCh38, 1-based): chr9:14,805,104, T>A on the plus strand (A>T on the coding strand, the complement: FREM1 is on the minus strand). VCF-style: chr9-14805104-T-A. GRCh37 (hg19) VCF-style: chr9-14805102-T-A.
Other names: c.3323A>T, p.Gln1108Leu (NM_144966.7); short protein forms Q1108L.
Identifiers: ClinVar variation 4742609 (VCV004742609.1).